The following is an entry in ClinVar:

ClinVar aggregate classification (germline): Conflicting classifications of pathogenicity. Review status: criteria provided, conflicting classifications (1 of 4 stars). 2 submissions from 2 submitters: Likely pathogenic (1); Uncertain significance (1). Last evaluated 2022-11-29.

Conditions:
Microcephaly, normal intelligence and immunodeficiency (NBS). Also called: Microcephaly with normal intelligence immunodeficiency and lymphoreticular malignancies; Nonsyndromal microcephaly autosomal recessive with normal intelligence; Seemanova syndrome 2; SEEMANOVA SYNDROME II; BERLIN BREAKAGE SYNDROME; Immunodeficiency, microcephaly with normal intelligence. Identifiers: Orphanet 647, MedGen C0398791, MONDO:0009623, OMIM 251260.
Hereditary cancer-predisposing syndrome. Also called: Tumor predisposition; Neoplastic Syndromes, Hereditary; Hereditary neoplastic syndrome; Hereditary Cancer Syndrome. Identifiers: Orphanet 140162, MedGen C0027672, MeSH D009386, MONDO:0015356.

Submissions (2):

Labcorp Genetics (formerly Invitae), Labcorp
Classification: Likely pathogenic for Microcephaly, normal intelligence and immunodeficiency. Last evaluated: 2022-11-29. Review status: criteria provided, single submitter. Criteria: Invitae Variant Classification Sherloc (09022015). Collection method: clinical testing. Allele origin: germline.
Comment: In summary, the currently available evidence indicates that the variant is pathogenic, but additional data are needed to prove that conclusively. Therefore, this variant has been classified as Likely Pathogenic. Studies have shown that disruption of this splice site results in skipping of exon 14, but is expected to preserve the integrity of the reading-frame (Invitae). ClinVar contains an entry for this variant (Variation ID: 1067990). This variant has not been reported in the literature in individuals affected with NBN-related conditions. This variant is not present in population databases (gnomAD no frequency). This sequence change affects a donor splice site in intron 14 of the NBN gene. RNA analysis indicates that disruption of this splice site induces altered splicing and likely results in a shortened protein product.

Ambry Genetics
Classification: Uncertain significance for Hereditary cancer-predisposing syndrome. Last evaluated: 2021-03-12. Review status: criteria provided, single submitter. Criteria: Ambry Variant Classification Scheme 2023. Collection method: clinical testing. Allele origin: germline.
Comment: The c.2184+2T>G intronic variant results from a T to G substitution two nucleotides after coding exon 14 in the NBN gene. Alterations that disrupt the canonical splice site are expected to result in aberrant splicing. In silico splice site analysis predicts that this alteration will weaken the native splice donor site. The resulting transcript is predicted to be in-frame and is not expected to trigger nonsense-mediated mRNAdecay; however, direct evidence is unavailable. The exact functional effect of the missing amino acids is unknown. This nucleotide position is highly conserved in available vertebrate species. Since supporting evidence is limited at this time, the clinical significance of this alteration remains unclear.

NM_002485.5(NBN):c.2184+2T>G

Gene: NBN (nibrin; minus strand). Cytogenetic location: 8q21.3.
Variant type: single nucleotide variant.
Coding change: c.2184+2T>G on transcript NM_002485.5 (MANE Select); the canonical splice donor site of the intron after coding-DNA position 2184, T replaced by G.
Molecular consequence: splice donor variant.
Genome position (GRCh38, 1-based): chr8:89,943,251, A>C on the plus strand (T>G on the coding strand, the complement: NBN is on the minus strand). VCF-style: chr8-89943251-A-C. GRCh37 (hg19) VCF-style: chr8-90955479-A-C.
Other names: c.1938+2T>G (NM_001024688.3).
Identifiers: ClinVar variation 1067990 (VCV001067990.9), dbSNP rs75823099, ClinGen allele CA181273234.
Genomic context (GRCh38, chr8:89,943,251, plus strand): 5'-AGGCCACCATAATGGACCAAAGTGCAATTTAAGCAAGTTTCTGGGCCTCACTTCCTACTA[A>C]CCTCCATTTCCTGCCTTAGCCACTCTTCTAGTTCTGTATTCTTTCGAGCATGATGAGCTA-3'